The following is an entry in ClinVar:

NM_000054.7(AVPR2):c.152_159del (p.Val51fs)

Gene: AVPR2 (arginine vasopressin receptor 2; plus strand). Cytogenetic location: Xq28.
Variant type: Deletion.
Coding change: c.152_159del on transcript NM_000054.7 (MANE Select); coding-DNA positions 152 to 159, 8 bases deleted (TGGCCCTG; older notation c.152_159delTGGCCCTG).
Protein change: p.Val51fs; shifts the reading frame from valine 51.
Molecular consequence: frameshift variant.
Genome position (GRCh38, 1-based): chrX:153,905,658-153,905,665, TGGCCCTG deleted; deleting any 8 consecutive bases within chrX:153,905,655-153,905,665 gives the same sequence; the c. name uses the placement nearest the transcript's 3' end. VCF-style (leftmost placement, unchanged base first): chrX-153905654-GCTGTGGCC-G. GRCh37 (hg19) VCF-style: chrX-153171108-GCTGTGGCC-G.
Other names: c.152_159del, p.Val51fs (NM_001146151.3); c.152_159delTGGCCCTG (NM_000054.7); short protein forms V51fs.
Identifiers: ClinVar variation 3896670 (VCV003896670.3).

ClinVar aggregate classification (germline): Pathogenic. Review status: criteria provided, multiple submitters, no conflicts (2 of 4 stars). 2 submissions from 2 submitters: Pathogenic (2). Last evaluated 2025-04-23.

Conditions:
Nephrogenic diabetes insipidus. Identifiers: Orphanet 223, MedGen C0162283, MONDO:0016383, HP:0009806.

Submissions (2):

Women's Health and Genetics/Laboratory Corporation of America, LabCorp
Classification: Pathogenic for Nephrogenic diabetes insipidus. Last evaluated: 2025-04-23. Review status: criteria provided, single submitter. Criteria: LabCorp Variant Classification Summary - May 2015. Collection method: clinical testing. Allele origin: germline.
Comment: Variant summary: AVPR2 c.152_159delTGGCCCTG (p.Val51GlufsX138) results in a premature termination codon, predicted to cause a truncation of the encoded protein or absence of the protein due to nonsense mediated decay, which are commonly known mechanisms for disease. The variant was absent in 178457 control chromosomes. To our knowledge, no occurrence of c.152_159delTGGCCCTG in individuals affected with Nephrogenic Diabetes Insipidus and no experimental evidence demonstrating its impact on protein function have been reported. No submitters have cited clinical-significance assessments for this variant to ClinVar. Based on the evidence outlined above, the variant was classified as pathogenic.

Labcorp Genetics (formerly Invitae), Labcorp
Classification: Pathogenic. Last evaluated: 2025-04-11. Review status: criteria provided, single submitter. Criteria: Invitae Variant Classification Sherloc (09022015). Collection method: clinical testing. Allele origin: germline.
Comment: This sequence change creates a premature translational stop signal (p.Val51Glufs*138) in the AVPR2 gene. It is expected to result in an absent or disrupted protein product. Loss-of-function variants in AVPR2 are known to be pathogenic (PMID: 8037205, 10820168). This variant is not present in population databases (gnomAD no frequency). This variant has not been reported in the literature in individuals affected with AVPR2-related conditions. For these reasons, this variant has been classified as Pathogenic.

Literature cited by the submitters: PubMed 8037205 (cited by Labcorp Genetics (formerly Invitae), Labcorp); PubMed 10820168 (cited by Labcorp Genetics (formerly Invitae), Labcorp).